The following is an entry in ClinVar:

NM_032199.3(ARID5B):c.1908C>T (p.Asp636=)

Gene: ARID5B (AT-rich interaction domain 5B; plus strand). Cytogenetic location: 10q21.2.
Variant type: single nucleotide variant.
Coding change: c.1908C>T on transcript NM_032199.3 (MANE Select); coding-DNA position 1908, C replaced by T.
Protein change: p.Asp636=; no amino-acid change (aspartic acid 636 retained).
Molecular consequence: synonymous variant.
Genome position (GRCh38, 1-based): chr10:62,091,371, C>T. VCF-style: chr10-62091371-C-T. GRCh37 (hg19) VCF-style: chr10-63851130-C-T.
Other names: c.1179C>T, p.Asp393= (NM_001244638.2).
Identifiers: ClinVar variation 3038643 (VCV003038643.2), dbSNP rs140716429, ClinGen allele CA5515412.

ClinVar aggregate classification (germline): Likely benign (0 of 4 stars; one submission).

Conditions:
ARID5B-related disorder. Also called: ARID5B-related condition.

Allele frequency attached by ClinVar (database versions not stated): 1000 Genomes Project 30x 0.00031; 1000 Genomes Project 0.00040; ExAC 0.00091; ESP Exome Variant Server 0.00092; TOPMed 0.00103; gnomAD 0.00118; gnomAD exomes 0.00181.
gnomAD v4.1: 2,781 of 1,614,124 alleles (0.17%); highest among the groups gnomAD compares: Non-Finnish European, 0.22%; 4 homozygotes.

Submission:

PreventionGenetics, part of Exact Sciences
Classification: Likely benign for ARID5B-related condition. Last evaluated: 2019-07-08. Review status: no assertion criteria provided. Collection method: clinical testing. Allele origin: germline.
Comment: This variant is classified as likely benign based on ACMG/AMP sequence variant interpretation guidelines (Richards et al. 2015 PMID: 25741868, with internal and published modifications).